The following is an entry in ClinVar:

NC_000015.9:g.(?_72666801)_(72670977_?)del

Gene: HEXA (hexosaminidase subunit alpha; minus strand). Cytogenetic location: 15q23.
Variant type: Deletion.
Identifiers: ClinVar variation 3243744 (VCV003243744.1).

ClinVar aggregate classification (germline): Pathogenic (1 of 4 stars; one submission).

Conditions:
Tay-Sachs disease (TSD). Also called: HEXA DEFICIENCY; HEXA Disorders; GM2 gangliosidosis, type 1; Hexosaminidase alpha-subunit deficiency (variant B); Sphingolipidosis, Tay-Sachs; Hexosaminidase A Deficiency. Identifiers: Orphanet 845, MedGen C0039373, MONDO:0010100, OMIM 272800.

Submission:

Labcorp Genetics (formerly Invitae), Labcorp
Classification: Pathogenic for Tay-Sachs disease. Last evaluated: 2024-01-19. Review status: criteria provided, single submitter. Criteria: Invitae Variant Classification Sherloc (09022015). Collection method: clinical testing. Allele origin: unknown.
Comment: This variant is a gross deletion of the genomic region encompassing exon(s) 1 of the HEXA gene, which includes the initiator codon. This deletion extends beyond the assayed region for this gene and therefore may encompass additional genes. It is expected to result in an absent or disrupted protein product. Loss-of-function variants in HEXA are known to be pathogenic (PMID: 1833974, 8490625). A similar copy number variant has been observed in individual(s) with Tay-Sachs disease (PMID: 3754980). It is commonly reported in individuals of French Canadian ancestry (PMID: 3754980). For these reasons, this variant has been classified as Pathogenic.

Literature cited by the submitters: PubMed 1833974; PubMed 8490625; PubMed 3754980.